The following is an entry in ClinVar:

NM_004360.5(CDH1):c.785T>G (p.Phe262Cys)

Gene: CDH1 (cadherin 1; plus strand). Cytogenetic location: 16q22.1.
Variant type: single nucleotide variant.
Coding change: c.785T>G on transcript NM_004360.5 (MANE Select); coding-DNA position 785, T replaced by G.
Protein change: p.Phe262Cys; replaces phenylalanine 262 with cysteine.
Molecular consequence: missense variant. On other transcripts: 5 prime UTR variant (2).
Genome position (GRCh38, 1-based): chr16:68,810,294, T>G. VCF-style: chr16-68810294-T-G. GRCh37 (hg19) VCF-style: chr16-68844197-T-G.
Other names: c.785T>G (LRG_301t1); c.785T>G, p.Phe262Cys (NM_001317184.2); c.-831T>G (NM_001317185.2); c.-1035T>G (NM_001317186.2); short protein forms F262C.
Identifiers: ClinVar variation 639768 (VCV000639768.10), dbSNP rs1597892468, ClinGen allele CA396458742.

ClinVar aggregate classification (germline): Uncertain significance. Review status: criteria provided, multiple submitters, no conflicts (2 of 4 stars). 2 submissions from 2 submitters: Uncertain significance (2). Last evaluated 2023-09-16.

Conditions:
Hereditary diffuse gastric adenocarcinoma (HDGC). Also called: DIFFUSE GASTRIC AND LOBULAR BREAST CANCER SYNDROME. Identifiers: Orphanet 26106, MedGen C1708349, MONDO:0007648, OMIM 137215.
Hereditary cancer-predisposing syndrome. Also called: Hereditary Cancer Syndrome; Neoplastic Syndromes, Hereditary; Tumor predisposition; Hereditary neoplastic syndrome. Identifiers: Orphanet 140162, MedGen C0027672, MeSH D009386, MONDO:0015356.

Submissions (2):

Ambry Genetics
Classification: Uncertain significance for Hereditary cancer-predisposing syndrome. Last evaluated: 2023-09-16. Review status: criteria provided, single submitter. Criteria: Ambry Variant Classification Scheme 2023. Collection method: clinical testing. Allele origin: germline.
Comment: The p.F262C variant (also known as c.785T>G), located in coding exon 6 of the CDH1 gene, results from a T to G substitution at nucleotide position 785. The phenylalanine at codon 262 is replaced by cysteine, an amino acid with highly dissimilar properties. This amino acid position is conserved. In addition, this alteration is predicted to be deleterious by in silico analysis. Since supporting evidence is limited at this time, the clinical significance of this alteration remains unclear.

Labcorp Genetics (formerly Invitae), Labcorp
Classification: Uncertain significance for Hereditary diffuse gastric adenocarcinoma. Last evaluated: 2018-08-20. Review status: criteria provided, single submitter. Criteria: Invitae Variant Classification Sherloc (09022015). Collection method: clinical testing. Allele origin: germline.
Comment: In summary, the available evidence is currently insufficient to determine the role of this variant in disease. Therefore, it has been classified as a Variant of Uncertain Significance. Algorithms developed to predict the effect of missense changes on protein structure and function (SIFT, PolyPhen-2, Align-GVGD) all suggest that this variant is likely to be disruptive, but these predictions have not been confirmed by published functional studies and their clinical significance is uncertain. This variant has not been reported in the literature in individuals with CDH1-related disease. This variant is not present in population databases (ExAC no frequency). This sequence change replaces phenylalanine with cysteine at codon 262 of the CDH1 protein (p.Phe262Cys). The phenylalanine residue is highly conserved and there is a large physicochemical difference between phenylalanine and cysteine.